The following is an entry in ClinVar:

ClinVar aggregate classification (germline): Likely benign (1 of 4 stars; one submission).

Conditions:
RBM8A-related disorder. Also called: RBM8A-related condition.

gnomAD v4.1: 56 of 1,613,984 alleles (0.0035%); highest among the groups gnomAD compares: South Asian, 0.049%; 1 homozygote.

Submission:

PreventionGenetics, part of Exact Sciences
Classification: Likely benign for RBM8A-related condition. Last evaluated: 2026-02-20. Review status: criteria provided, single submitter. Criteria: ACMG Guidelines, 2015. Collection method: clinical testing. Allele origin: germline.
Comment: This variant is classified as likely benign based on ACMG/AMP sequence variant interpretation guidelines (Richards et al. 2015 PMID: 25741868, with internal and published modifications).

NM_005105.5(RBM8A):c.126C>T (p.Ser42=)

Genes: LIX1L-AS1 (LIX1L antisense RNA 1; plus strand), RBM8A (RNA binding motif protein 8A; minus strand), LOC126805851 (MED14-independent group 3 enhancer GRCh37_chr1:145507474-145508673; plus strand). Cytogenetic location: 1q21.1.
Variant type: single nucleotide variant.
Coding change: c.126C>T on transcript NM_005105.5 (MANE Select); coding-DNA position 126, C replaced by T.
Protein change: p.Ser42=; no amino-acid change (serine 42 retained).
Molecular consequence: synonymous variant.
Genome position (GRCh38, 1-based): chr1:145,927,019, G>A on the plus strand (C>T on the coding strand, the complement: RBM8A is on the minus strand). VCF-style: chr1-145927019-G-A. GRCh37 (hg19) VCF-style: chr1-145508074-C-T.
Identifiers: ClinVar variation 4978941 (VCV004978941.1).